The following is an entry in ClinVar:

NM_000074.3(CD40LG):c.527C>T (p.Thr176Ile)

Gene: CD40LG (CD40 ligand; plus strand). Cytogenetic location: Xq26.3.
Variant type: single nucleotide variant.
Coding change: c.527C>T on transcript NM_000074.3 (MANE Select); coding-DNA position 527, C replaced by T.
Protein change: p.Thr176Ile; replaces threonine 176 with isoleucine.
Molecular consequence: missense variant.
Genome position (GRCh38, 1-based): chrX:136,659,156, C>T. VCF-style: chrX-136659156-C-T. GRCh37 (hg19) VCF-style: chrX-135741315-C-T.
Other names: short protein forms T176I.
Identifiers: ClinVar variation 2138732 (VCV002138732.4), dbSNP rs2522117985, ClinGen allele CA414755813.

ClinVar aggregate classification (germline): Uncertain significance (1 of 4 stars; one submission).

Conditions:
Hyper-IgM syndrome type 1. Also called: Hyper-IgM Immunodeficiency Syndrome, Type 1; CD40 Ligand Deficiency; X-linked hyper-IgM syndrome; Immunodeficiency, X-linked, with hyper-IgM. Identifiers: Orphanet 101088, MedGen C0398689, MONDO:0010626, OMIM 308230.

Submission:

Labcorp Genetics (formerly Invitae), Labcorp
Classification: Uncertain significance for Hyper-IgM syndrome type 1. Last evaluated: 2023-11-10. Review status: criteria provided, single submitter. Criteria: Invitae Variant Classification Sherloc (09022015). Collection method: clinical testing. Allele origin: germline.
Comment: This sequence change replaces threonine, which is neutral and polar, with isoleucine, which is neutral and non-polar, at codon 176 of the CD40LG protein (p.Thr176Ile). This variant is not present in population databases (gnomAD no frequency). This variant has not been reported in the literature in individuals affected with CD40LG-related conditions. ClinVar contains an entry for this variant (Variation ID: 2138732). Advanced modeling of protein sequence and biophysical properties (such as structural, functional, and spatial information, amino acid conservation, physicochemical variation, residue mobility, and thermodynamic stability) performed at Invitae indicates that this missense variant is not expected to disrupt CD40LG protein function with a negative predictive value of 80%. Experimental studies have shown that this missense change affects CD40LG function (PMID: 31331973). In summary, the available evidence is currently insufficient to determine the role of this variant in disease. Therefore, it has been classified as a Variant of Uncertain Significance.

Literature cited by the submitters: PubMed 31331973.